The following is an entry in ClinVar:

ClinVar aggregate classification (germline): Uncertain significance (1 of 4 stars; one submission).

Conditions:
Ehlers-Danlos syndrome, classic type, 1 (EDSCL1). Also called: EHLERS-DANLOS SYNDROME, GRAVIS TYPE; EHLERS-DANLOS SYNDROME, SEVERE CLASSIC TYPE; Ehlers-Danlos syndrome, type 1; Ehlers-Danlos Syndrome, Classic Type, COL5A1-Related; EDS I. Identifiers: MedGen C0268335, MONDO:0019567, OMIM 130000.

gnomAD v4.1: 8 of 1,606,936 alleles (0.0005%); highest among the groups gnomAD compares: Non-Finnish European, 0.0006%; no homozygotes.

Submission:

Labcorp Genetics (formerly Invitae), Labcorp
Classification: Uncertain significance for Ehlers-Danlos syndrome, classic type, 1. Last evaluated: 2025-12-15. Review status: criteria provided, single submitter. Criteria: Invitae Variant Classification Sherloc (09022015). Collection method: clinical testing. Allele origin: germline.
Comment: This sequence change falls in intron 21 of the COL5A2 gene. It does not directly change the encoded amino acid sequence of the COL5A2 protein. This variant is not present in population databases (gnomAD no frequency). This variant has not been reported in the literature in individuals affected with COL5A2-related conditions. Algorithms developed to predict the effect of sequence changes on RNA splicing suggest that this variant may disrupt the consensus splice site. In summary, the available evidence is currently insufficient to determine the role of this variant in disease. Therefore, it has been classified as a Variant of Uncertain Significance.

NM_000393.5(COL5A2):c.1402-15A>G

Gene: COL5A2 (collagen type V alpha 2 chain; minus strand). Cytogenetic location: 2q32.2.
Variant type: single nucleotide variant.
Coding change: c.1402-15A>G on transcript NM_000393.5 (MANE Select); 15 bases into the intron before coding-DNA position 1402, A replaced by G.
Molecular consequence: intron variant.
Genome position (GRCh38, 1-based): chr2:189,066,797, T>C on the plus strand (A>G on the coding strand, the complement: COL5A2 is on the minus strand). VCF-style: chr2-189066797-T-C. GRCh37 (hg19) VCF-style: chr2-189931523-T-C.
Identifiers: ClinVar variation 4752318 (VCV004752318.1).
Genomic context (GRCh38, chr2:189,066,797, plus strand): 5'-CTTTTGGGCCAGCTTCTCCTTTGAAACCTGGAACTCCTGGATCACCCTGAAAAAAATATA[T>C]TGATATTTGTAAGAACCAGGACATTTAGCTAGTCCAATCTGCTCAAATTAGTTACAATAA-3'